The following is an entry in ClinVar:

NM_005477.3(HCN4):c.2830G>A (p.Ala944Thr)

Gene: HCN4 (hyperpolarization activated cyclic nucleotide gated potassium channel 4; minus strand). Cytogenetic location: 15q24.1.
Variant type: single nucleotide variant.
Coding change: c.2830G>A on transcript NM_005477.3 (MANE Select); coding-DNA position 2830, G replaced by A.
Protein change: p.Ala944Thr; replaces alanine 944 with threonine.
Molecular consequence: missense variant.
Genome position (GRCh38, 1-based): chr15:73,323,263, C>T on the plus strand (G>A on the coding strand, the complement: HCN4 is on the minus strand). VCF-style: chr15-73323263-C-T. GRCh37 (hg19) VCF-style: chr15-73615604-C-T.
Other names: short protein forms A944T.
Identifiers: ClinVar variation 538102 (VCV000538102.19), dbSNP rs777648103, ClinGen allele CA7648946.
Genomic context (GRCh38, chr15:73,323,263, plus strand): 5'-AGGGTGGGGGTGGCAGGAAGTGCTCCGGGAGTCCCAGGCCTCCCCGGGCCCCGGGTGGCG[C>T]GGGAGATGGCTGGGCAGCCTGCGGGGAGCGGGCGCCTGGCTGCAGCGGGGTGAGCAGGGG-3'
Protein context (NP_005468.1, residues 934-954): RSPQAAQPSP[Ala944Thr]PPGARGGLGL

ClinVar aggregate classification (germline): Conflicting classifications of pathogenicity. Review status: criteria provided, conflicting classifications (1 of 4 stars). 5 submissions from 5 submitters: Uncertain significance (1); Likely benign (4). Last evaluated 2026-03-27.

Conditions:
Brugada syndrome 8 (BRGDA8). Identifiers: Orphanet 130, MedGen C2751083, MONDO:0013148, OMIM 613123.
Cardiovascular phenotype. Identifiers: MedGen CN230736.

Allele frequency attached by ClinVar (database versions not stated): gnomAD 0.00003 and 0.00007; TOPMed 0.00004.
gnomAD v4.1: 133 of 1,525,026 alleles (0.0087%); highest among the groups gnomAD compares: South Asian, 0.13%; no homozygotes.

Submissions (5):

Molecular Diagnostic Laboratory for Inherited Cardiovascular Disease, Montreal Heart Institute
Classification: Likely benign. Last evaluated: 2026-03-27. Review status: criteria provided, single submitter. Criteria: ACMG Guidelines, 2015. Collection method: clinical testing. Allele origin: germline. Affected: no.
Comment: BS1;BP4

Labcorp Genetics (formerly Invitae), Labcorp
Classification: Likely benign for Brugada syndrome 8. Last evaluated: 2026-01-18. Review status: criteria provided, single submitter. Criteria: Invitae Variant Classification Sherloc (09022015). Collection method: clinical testing. Allele origin: germline.

Ambry Genetics
Classification: Uncertain significance for Cardiovascular phenotype. Last evaluated: 2025-12-10. Review status: criteria provided, single submitter. Criteria: Ambry Variant Classification Scheme 2023. Collection method: clinical testing. Allele origin: germline.
Comment: The p.A944T variant (also known as c.2830G>A), located in coding exon 8 of the HCN4 gene, results from a G to A substitution at nucleotide position 2830. The alanine at codon 944 is replaced by threonine, an amino acid with similar properties. This amino acid position is poorly conserved in available vertebrate species. In addition, this alteration is predicted to be tolerated by in silico analysis. Since supporting evidence is limited at this time, the clinical significance of this alteration remains unclear.

Blueprint Genetics
Classification: Likely benign. Last evaluated: 2023-01-20. Review status: criteria provided, single submitter. Criteria: ACMG Guidelines, 2015. Collection method: clinical testing. Allele origin: germline.

GeneDx
Classification: Likely benign. Last evaluated: 2021-05-04. Review status: criteria provided, single submitter. Criteria: GeneDx Variant Classification Process June 2021. Collection method: clinical testing. Allele origin: germline. Affected: yes.